The following is an entry in ClinVar:

NM_014225.6(PPP2R1A):c.773G>A (p.Arg258His)

Gene: PPP2R1A (protein phosphatase 2 scaffold subunit Aalpha; plus strand). Cytogenetic location: 19q13.41.
Variant type: single nucleotide variant.
Coding change: c.773G>A on transcript NM_014225.6 (MANE Select); coding-DNA position 773, G replaced by A.
Protein change: p.Arg258His; replaces arginine 258 with histidine.
Molecular consequence: missense variant. On other transcripts: non-coding transcript variant (1).
Genome position (GRCh38, 1-based): chr19:52,213,076, G>A. VCF-style: chr19-52213076-G-A. GRCh37 (hg19) VCF-style: chr19-52716329-G-A.
Other names: c.236G>A, p.Arg79His (NM_001363656.2); short protein forms R258H, R79H.
Identifiers: ClinVar variation 217458 (VCV000217458.29), dbSNP rs863225094, ClinGen allele CA279323.

ClinVar aggregate classification (germline): Pathogenic/Likely pathogenic. Review status: criteria provided, multiple submitters, no conflicts (2 of 4 stars). 8 submissions from 8 submitters: Pathogenic (5); Likely pathogenic (1). 2 of the submissions do not count toward it. Last evaluated 2025-10-01.

Conditions:
Houge-Janssens syndrome 2. Also called: INTELLECTUAL DEVELOPMENTAL DISORDER, AUTOSOMAL DOMINANT 36; Microcephaly-corpus callosum hypoplasia-intellectual disability-facial dysmorphism syndrome; PPP2R1A-Related Neurodevelopmental Disorder. Identifiers: Orphanet 457284, MedGen C4225352, MONDO:0014605, OMIM 616362.

Submissions (8):

CeGaT Center for Human Genetics Tuebingen
Classification: Pathogenic. Last evaluated: 2025-10-01. Review status: criteria provided, single submitter. Criteria: CeGaT Center For Human Genetics Tuebingen Variant Classification Criteria Version 2. Collection method: clinical testing. Allele origin: germline. Affected: yes. Observed: 1 variant allele.
Comment: PPP2R1A: PS2:Very Strong, PM2, PM5, PP2, PS3:Supporting

Labcorp Genetics (formerly Invitae), Labcorp
Classification: Pathogenic. Last evaluated: 2023-01-17. Review status: criteria provided, single submitter. Criteria: Invitae Variant Classification Sherloc (09022015). Collection method: clinical testing. Allele origin: germline.
Comment: For these reasons, this variant has been classified as Pathogenic. Experimental studies have shown that this missense change affects PPP2R1A function (PMID: 26168268). Advanced modeling of protein sequence and biophysical properties (such as structural, functional, and spatial information, amino acid conservation, physicochemical variation, residue mobility, and thermodynamic stability) performed at Invitae indicates that this missense variant is expected to disrupt PPP2R1A protein function. ClinVar contains an entry for this variant (Variation ID: 217458). This missense change has been observed in individual(s) with intellectual disability syndrome (PMID: 26168268, 30755392, 32901917, 33106617). In at least one individual the variant was observed to be de novo. This variant is not present in population databases (gnomAD no frequency). This sequence change replaces arginine, which is basic and polar, with histidine, which is basic and polar, at codon 258 of the PPP2R1A protein (p.Arg258His).

GeneDx
Classification: Pathogenic. Last evaluated: 2022-05-20. Review status: criteria provided, single submitter. Criteria: GeneDx Variant Classification Process June 2021. Collection method: clinical testing. Allele origin: germline. Affected: yes.
Comment: Published functional studies showed R258H causes impaired binding between the A and B subunits of PP2A and decreases PP2A phosphatase activity (Houge et al., 2015; Lenaerts et al., 2020); Not observed in large population cohorts (gnomAD); In silico analysis, which includes protein predictors and evolutionary conservation, supports a deleterious effect; This variant is associated with the following publications: (PMID: 26197069, 26168268, 27485451, 27294619, 33106617, 32901917, 30755392)

3billion
Classification: Pathogenic for Houge-Janssens syndrome 2. Last evaluated: 2021-10-02. Review status: criteria provided, single submitter. Criteria: ACMG Guidelines, 2015. Collection method: clinical testing. Allele origin: germline. Affected: yes. Observed: 1 heterozygote.
Comment: Same nucleotide change resulting in same amino acid change has been previously reported as de novoo and observed in at least four similarly affected unrelated individuals (ClinVar ID: VCV000217458.5, PMID: 26168268, 33106617, and 30755392, PS2 and PS4). It is not observed in the gnomAD v2.1.1 dataset (PM2). The variant was observed as assumed (i.e. paternity and maternity not confirmed) de novoo (3billion dataset, PM6). Therefore, this variant is classified as pathogenic according to the recommendation of ACMG/AMP guideline.

Institute for Genomic Medicine (IGM) Clinical Laboratory, Nationwide Children's Hospital
Classification: Likely pathogenic for Houge-Janssens syndrome 2. Last evaluated: 2019-12-30. Review status: criteria provided, single submitter. Criteria: ACMG Guidelines, 2015. Collection method: clinical testing. Allele origin: germline. Affected: yes.
Comment: [ACMG/AMP: PS2, PS3_Moderate, PM2, PP3] This alteration is de novo in origin as it was not detected in the submitted parental specimens (identity confirmed) [PS2], is supported by well-established in vitro or in vivo functional studies to have a damaging effect on protein function or splicing [PS3_Moderate], is absent from or rarely observed in large-scale population databases [PM2], is predicted to be damaging by multiple functional prediction tools [PP3].

Center for Personalized Medicine, Children's Hospital Los Angeles
Classification: Pathogenic. Last evaluated: 2018-11-19. Review status: criteria provided, single submitter. Criteria: ACMG Guidelines, 2015. Collection method: clinical testing. Allele origin: germline. Affected: yes.

OMIM
Classification: Pathogenic for HOUGE-JANSSENS SYNDROME 2. Last evaluated: 2015-08-03. Review status: no assertion criteria provided. Collection method: literature only. Allele origin: germline. Not counted in ClinVar's aggregate classification.

Cytogénomique, Hospices Civils de Lyon
Classification: Pathogenic for Houge-Janssens syndrome 2. Review status: no assertion criteria provided. Collection method: clinical testing. Allele origin: de novo. Inheritance: Autosomal dominant inheritance. Affected: yes. Not counted in ClinVar's aggregate classification.

Literature cited by the submitters: PubMed 26168268 (cited by 3 submitters); PubMed 30755392 (cited by Labcorp Genetics (formerly Invitae), Labcorp and 3billion); PubMed 32901917 (cited by Labcorp Genetics (formerly Invitae), Labcorp); PubMed 33106617 (cited by Labcorp Genetics (formerly Invitae), Labcorp and 3billion).